The following is an entry in ClinVar:

NM_001287.6(CLCN7):c.40G>A (p.Asp14Asn)

Genes: CLCN7 (chloride voltage-gated channel 7; minus strand), LOC130058166 (ATAC-STARR-seq lymphoblastoid silent region 6986; plus strand). Cytogenetic location: 16p13.3.
Variant type: single nucleotide variant.
Coding change: c.40G>A on transcript NM_001287.6 (MANE Select); coding-DNA position 40, G replaced by A.
Protein change: p.Asp14Asn; replaces aspartic acid 14 with asparagine.
Molecular consequence: missense variant.
Genome position (GRCh38, 1-based): chr16:1,474,935, C>T on the plus strand (G>A on the coding strand, the complement: CLCN7 is on the minus strand). VCF-style: chr16-1474935-C-T. GRCh37 (hg19) VCF-style: chr16-1524936-C-T.
Other names: c.40G>A, p.Asp14Asn (NM_001114331.3); short protein forms D14N.
Identifiers: ClinVar variation 1967358 (VCV001967358.5), dbSNP rs1458357140, ClinGen allele CA394194216.
Genomic context (GRCh38, chr16:1,474,935, plus strand): 5'-TCCCCCCGCCGGGCCGCGCCGTCCTCCGCAGCAGCGGCGCCGCCTCCTCGTCGTCCCGGT[C>T]CCGGCCGGACCAGGACACCTTCTTAGAGACGTTGGCCATGGCCCGCCGCGGAGCGACACC-3'
Protein context (NP_001278.1, residues 4-24): VSKKVSWSGR[Asp14Asn]RDDEEAAPLL

ClinVar aggregate classification (germline): Uncertain significance (1 of 4 stars; one submission).

Allele frequency attached by ClinVar (database versions not stated): TOPMed below 0.00001; gnomAD 0.00001.
gnomAD v4.1: 25 of 1,483,898 alleles (0.0017%); highest among the groups gnomAD compares: East Asian, 0.0029%; no homozygotes.

Submission:

Labcorp Genetics (formerly Invitae), Labcorp
Classification: Uncertain significance. Last evaluated: 2022-09-22. Review status: criteria provided, single submitter. Criteria: Invitae Variant Classification Sherloc (09022015). Collection method: clinical testing. Allele origin: germline.
Comment: Advanced modeling of protein sequence and biophysical properties (such as structural, functional, and spatial information, amino acid conservation, physicochemical variation, residue mobility, and thermodynamic stability) performed at Invitae indicates that this missense variant is not expected to disrupt CLCN7 protein function. This sequence change replaces aspartic acid, which is acidic and polar, with asparagine, which is neutral and polar, at codon 14 of the CLCN7 protein (p.Asp14Asn). This variant is not present in population databases (gnomAD no frequency). This variant has not been reported in the literature in individuals affected with CLCN7-related conditions. In summary, the available evidence is currently insufficient to determine the role of this variant in disease. Therefore, it has been classified as a Variant of Uncertain Significance.